The following is an entry in ClinVar:

ClinVar aggregate classification (germline): Likely benign. Review status: criteria provided, single submitter (1 of 4 stars). 2 submissions from 2 submitters: Likely benign (1). 1 of the submissions does not count toward it. Last evaluated 2024-04-22.

Conditions:
MYO5B-related disorder. Also called: MYO5B-related condition.

Allele frequency attached by ClinVar (database versions not stated): ExAC 0.00001; TOPMed 0.00004; gnomAD 0.00005.
gnomAD v4.1: 11 of 1,612,722 alleles (0.00068%); highest among the groups gnomAD compares: African/African-American, 0.012%; no homozygotes.

Submissions (2):

Labcorp Genetics (formerly Invitae), Labcorp
Classification: Likely benign. Last evaluated: 2024-04-22. Review status: criteria provided, single submitter. Criteria: Invitae Variant Classification Sherloc (09022015). Collection method: clinical testing. Allele origin: germline.

PreventionGenetics, part of Exact Sciences
Classification: Likely benign for MYO5B-related condition. Last evaluated: 2023-01-19. Review status: no assertion criteria provided. Collection method: clinical testing. Allele origin: germline. Not counted in ClinVar's aggregate classification.
Comment: This variant is classified as likely benign based on ACMG/AMP sequence variant interpretation guidelines (Richards et al. 2015 PMID: 25741868, with internal and published modifications).

NM_001080467.3(MYO5B):c.3798C>A (p.Thr1266=)

Gene: MYO5B (myosin VB; minus strand). Cytogenetic location: 18q21.1.
Variant type: single nucleotide variant.
Coding change: c.3798C>A on transcript NM_001080467.3 (MANE Select); coding-DNA position 3798, C replaced by A.
Protein change: p.Thr1266=; no amino-acid change (threonine 1266 retained).
Molecular consequence: synonymous variant.
Genome position (GRCh38, 1-based): chr18:49,864,186, G>T on the plus strand (C>A on the coding strand, the complement: MYO5B is on the minus strand). VCF-style: chr18-49864186-G-T. GRCh37 (hg19) VCF-style: chr18-47390556-G-T.
Identifiers: ClinVar variation 3057366 (VCV003057366.4), dbSNP rs767289050, ClinGen allele CA8960592.